The following is an entry in ClinVar:

ClinVar aggregate classification (germline): Uncertain significance (1 of 4 stars; one submission).

Conditions:
GM3 synthase deficiency (SPDRS). Also called: SALT AND PEPPER DEVELOPMENTAL REGRESSION SYNDROME; AMISH INFANTILE EPILEPSY SYNDROME; SALT AND PEPPER MENTAL RETARDATION SYNDROME. Identifiers: Orphanet 171714, Orphanet 370933, MedGen C1836824, MONDO:0018274, OMIM 609056.

Allele frequency attached by ClinVar (database versions not stated): gnomAD exomes below 0.00001; TOPMed 0.00001.
gnomAD v4.1: 2 of 1,358,460 alleles (0.00015%); highest among the groups gnomAD compares: Non-Finnish European, 0.00019%; no homozygotes.

Submission:

Labcorp Genetics (formerly Invitae), Labcorp
Classification: Uncertain significance for GM3 synthase deficiency. Last evaluated: 2022-05-25. Review status: criteria provided, single submitter. Criteria: Invitae Variant Classification Sherloc (09022015). Collection method: clinical testing. Allele origin: germline.
Comment: This sequence change replaces glutamine, which is neutral and polar, with arginine, which is basic and polar, at codon 15 of the ST3GAL5 protein (p.Gln15Arg). This variant is not present in population databases (gnomAD no frequency). This variant has not been reported in the literature in individuals affected with ST3GAL5-related conditions. ClinVar contains an entry for this variant (Variation ID: 1012008). Algorithms developed to predict the effect of missense changes on protein structure and function output the following: SIFT: "Tolerated"; PolyPhen-2: "Benign"; Align-GVGD: "Class C0". The arginine amino acid residue is found in multiple mammalian species, which suggests that this missense change does not adversely affect protein function. In summary, the available evidence is currently insufficient to determine the role of this variant in disease. Therefore, it has been classified as a Variant of Uncertain Significance.

NM_003896.4(ST3GAL5):c.44A>G (p.Gln15Arg)

Genes: ST3GAL5 (ST3 beta-galactoside alpha-2,3-sialyltransferase 5; minus strand), LOC129934236 (ATAC-STARR-seq lymphoblastoid silent region 11709; plus strand). Cytogenetic location: 2p11.2.
Variant type: single nucleotide variant.
Coding change: c.44A>G on transcript NM_003896.4 (MANE Select); coding-DNA position 44, A replaced by G.
Protein change: p.Gln15Arg; replaces glutamine 15 with arginine.
Molecular consequence: missense variant. On other transcripts: 5 prime UTR variant (6).
Genome position (GRCh38, 1-based): chr2:85,888,862, T>C on the plus strand (A>G on the coding strand, the complement: ST3GAL5 is on the minus strand). VCF-style: chr2-85888862-T-C. GRCh37 (hg19) VCF-style: chr2-86115985-T-C.
Other names: c.-919A>G (NM_001354223.2); c.-581A>G (NM_001354224.2); c.-518A>G (NM_001354226.2); c.-228A>G (NM_001354227.2); c.-172A>G (NM_001354229.2); c.-958A>G (NM_001354233.2); c.44A>G, p.Gln15Arg (NM_001363847.1); short protein forms Q15R.
Identifiers: ClinVar variation 1012008 (VCV001012008.8), dbSNP rs1280213817, ClinGen allele CA347536131.